The following is an entry in ClinVar:

NM_000395.3(CSF2RB):c.395A>G (p.Gln132Arg)

Gene: CSF2RB (colony stimulating factor 2 receptor subunit beta; plus strand). Cytogenetic location: 22q12.3.
Variant type: single nucleotide variant.
Coding change: c.395A>G on transcript NM_000395.3 (MANE Select); coding-DNA position 395, A replaced by G.
Protein change: p.Gln132Arg; replaces glutamine 132 with arginine.
Molecular consequence: missense variant.
Genome position (GRCh38, 1-based): chr22:36,929,405, A>G. VCF-style: chr22-36929405-A-G. GRCh37 (hg19) VCF-style: chr22-37325447-A-G.
Other names: c.395A>G, p.Gln132Arg (NM_001410827.1); short protein forms Q132R.
Identifiers: ClinVar variation 3713571 (VCV003713571.2).
Genomic context (GRCh38, chr22:36,929,405, plus strand): 5'-CCCTGACTGCCCCCCAGCGGTCCAGCCCTTAGGTGCCCTTCACTTCCTCCCCTCCAGTCC[A>G]GCCTCCTGAGCCCAGGGACCTGCAGATCAGCACCGACCAGGACCACTTCCTGCTGACCTG-3'
Protein context (NP_000386.1, residues 122-142): RLTVTLTQHV[Gln132Arg]PPEPRDLQIS

ClinVar aggregate classification (germline): Uncertain significance (1 of 4 stars; one submission).

gnomAD v4.1: 19 of 1,614,132 alleles (0.0012%); highest among the groups gnomAD compares: East Asian, 0.038%; no homozygotes.

Submission:

Labcorp Genetics (formerly Invitae), Labcorp
Classification: Uncertain significance. Last evaluated: 2024-06-25. Review status: criteria provided, single submitter. Criteria: Invitae Variant Classification Sherloc (09022015). Collection method: clinical testing. Allele origin: germline.
Comment: This sequence change replaces glutamine, which is neutral and polar, with arginine, which is basic and polar, at codon 132 of the CSF2RB protein (p.Gln132Arg). This variant is present in population databases (rs748209868, gnomAD 0.05%). This variant has not been reported in the literature in individuals affected with CSF2RB-related conditions. Advanced modeling of protein sequence and biophysical properties (such as structural, functional, and spatial information, amino acid conservation, physicochemical variation, residue mobility, and thermodynamic stability) performed at Invitae indicates that this missense variant is not expected to disrupt CSF2RB protein function with a negative predictive value of 80%. In summary, the available evidence is currently insufficient to determine the role of this variant in disease. Therefore, it has been classified as a Variant of Uncertain Significance.